The following is an entry in ClinVar:

NM_007325.5(GRIA3):c.696+4C>A

Gene: GRIA3 (glutamate ionotropic receptor AMPA type subunit 3; plus strand). Cytogenetic location: Xq25.
Variant type: single nucleotide variant.
Coding change: c.696+4C>A on transcript NM_007325.5 (MANE Select); 4 bases into the intron after coding-DNA position 696, C replaced by A.
Molecular consequence: intron variant.
Genome position (GRCh38, 1-based): chrX:123,326,217, C>A. VCF-style: chrX-123326217-C-A. GRCh37 (hg19) VCF-style: chrX-122460068-C-A.
Other names: c.696+4C>A (NM_000828.5).
Identifiers: ClinVar variation 1993441 (VCV001993441.4), dbSNP rs770064569, ClinGen allele CA10506930.
Genomic context (GRCh38, chrX:123,326,217, plus strand): 5'-GAAAAGCGATACTTGATTGACTGCGAAGTCGAAAGGATTAACACAATTTTGGAACAGGTA[C>A]GTTTGAGATTTATTTCACCGCCAGCCAACATGTTAAATTATCAACCTAAGTCAGCTCCCA-3'

ClinVar aggregate classification (germline): Uncertain significance (1 of 4 stars; one submission).

gnomAD v4.1: 4 of 1,191,953 alleles (0.00034%); highest among the groups gnomAD compares: African/African-American, 0.0071%; no homozygotes.

Submission:

Labcorp Genetics (formerly Invitae), Labcorp
Classification: Uncertain significance. Last evaluated: 2023-11-27. Review status: criteria provided, single submitter. Criteria: Invitae Variant Classification Sherloc (09022015). Collection method: clinical testing. Allele origin: germline.
Comment: This sequence change falls in intron 4 of the GRIA3 gene. It does not directly change the encoded amino acid sequence of the GRIA3 protein. It affects a nucleotide within the consensus splice site. This variant is present in population databases (rs770064569, gnomAD 0.008%). This variant has not been reported in the literature in individuals affected with GRIA3-related conditions. ClinVar contains an entry for this variant (Variation ID: 1993441). Variants that disrupt the consensus splice site are a relatively common cause of aberrant splicing (PMID: 17576681, 9536098). Algorithms developed to predict the effect of sequence changes on RNA splicing suggest that this variant is not likely to affect RNA splicing. In summary, the available evidence is currently insufficient to determine the role of this variant in disease. Therefore, it has been classified as a Variant of Uncertain Significance.

Literature cited by the submitters: PubMed 17576681; PubMed 9536098.